The following is an entry in ClinVar:

ClinVar aggregate classification (germline): Likely benign. Review status: criteria provided, multiple submitters, no conflicts (2 of 4 stars). 5 submissions from 5 submitters: Likely benign (4). 1 of the submissions does not count toward it. Last evaluated 2026-01-20.

Conditions:
Primary ciliary dyskinesia. Also called: Ciliary dyskinesia. Identifiers: Orphanet 244, MedGen C0008780, MONDO:0016575, HP:0012265.
DNAH8-related disorder. Also called: DNAH8-related condition.

Allele frequency attached by ClinVar (database versions not stated): 1000 Genomes Project 0.00040; 1000 Genomes Project 30x 0.00047; TOPMed 0.00139; ESP Exome Variant Server 0.00146.
gnomAD v4.1: 3,781 of 1,612,630 alleles (0.23%); highest among the groups gnomAD compares: Non-Finnish European, 0.3%; 10 homozygotes.

Submissions (5):

Labcorp Genetics (formerly Invitae), Labcorp
Classification: Likely benign for Primary ciliary dyskinesia. Last evaluated: 2026-01-20. Review status: criteria provided, single submitter. Criteria: Invitae Variant Classification Sherloc (09022015). Collection method: clinical testing. Allele origin: germline.

Mayo Clinic Laboratories, Mayo Clinic
Classification: Likely benign. Last evaluated: 2025-11-30. Review status: criteria provided, single submitter. Criteria: ACMG Guidelines, 2015. Collection method: clinical testing. Allele origin: germline. Observed: 2 variant alleles.
Comment: BP4

Blueprint Genetics
Classification: Likely benign. Last evaluated: 2024-10-25. Review status: criteria provided, single submitter. Criteria: ACMG Guidelines, 2015. Collection method: clinical testing. Allele origin: germline.

CeGaT Center for Human Genetics Tuebingen
Classification: Likely benign. Last evaluated: 2024-04-01. Review status: criteria provided, single submitter. Criteria: CeGaT Center For Human Genetics Tuebingen Variant Classification Criteria Version 2. Collection method: clinical testing. Allele origin: germline. Affected: yes. Observed: 1 variant allele.
Comment: DNAH8: BS2

PreventionGenetics, part of Exact Sciences
Classification: Likely benign for DNAH8-related condition. Last evaluated: 2023-05-15. Review status: no assertion criteria provided. Collection method: clinical testing. Allele origin: germline. Not counted in ClinVar's aggregate classification.
Comment: This variant is classified as likely benign based on ACMG/AMP sequence variant interpretation guidelines (Richards et al. 2015 PMID: 25741868, with internal and published modifications).

NM_001206927.2(DNAH8):c.11182C>T (p.Pro3728Ser)

Genes: DNAH8 (dynein axonemal heavy chain 8; plus strand), DNAH8-AS1 (DNAH8 antisense RNA 1; minus strand). Cytogenetic location: 6p21.2.
Variant type: single nucleotide variant.
Coding change: c.11182C>T on transcript NM_001206927.2 (MANE Select); coding-DNA position 11182, C replaced by T.
Protein change: p.Pro3728Ser; replaces proline 3728 with serine.
Molecular consequence: missense variant.
Genome position (GRCh38, 1-based): chr6:38,929,574, C>T. VCF-style: chr6-38929574-C-T. GRCh37 (hg19) VCF-style: chr6-38897350-C-T.
Other names: p.Pro3728Ser; c.10531C>T, p.Pro3511Ser (NM_001371.4); short protein forms P3728S, P3511S.
Identifiers: ClinVar variation 407297 (VCV000407297.35), dbSNP rs138016358, ClinGen allele CA3790948.